The following is an entry in ClinVar:

ClinVar aggregate classification (germline): Uncertain significance (1 of 4 stars; one submission).

Submission:

Ambry Genetics
Classification: Uncertain significance. Last evaluated: 2024-07-07. Review status: criteria provided, single submitter. Criteria: Ambry Variant Classification Scheme 2023. Collection method: clinical testing. Allele origin: germline.
Comment: The p.H417R variant (also known as c.1250A>G), located in coding exon 8 of the POLQ gene, results from an A to G substitution at nucleotide position 1250. The histidine at codon 417 is replaced by arginine, an amino acid with highly similar properties. This amino acid position is conserved. In addition, this alteration is predicted to be deleterious by in silico analysis. Based on the available evidence, the clinical significance of this variant remains unclear.

NM_199420.4(POLQ):c.1250A>G (p.His417Arg)

Gene: POLQ (DNA polymerase theta; minus strand). Cytogenetic location: 3q13.33.
Variant type: single nucleotide variant.
Coding change: c.1250A>G on transcript NM_199420.4 (MANE Select); coding-DNA position 1250, A replaced by G.
Protein change: p.His417Arg; replaces histidine 417 with arginine.
Molecular consequence: missense variant.
Genome position (GRCh38, 1-based): chr3:121,522,008, T>C on the plus strand (A>G on the coding strand, the complement: POLQ is on the minus strand). VCF-style: chr3-121522008-T-C. GRCh37 (hg19) VCF-style: chr3-121240855-T-C.
Other names: short protein forms H417R.
Identifiers: ClinVar variation 3422440 (VCV003422440.1).